The following is an entry in ClinVar:

NM_017763.6(RNF43):c.989G>A (p.Arg330Gln)

Gene: RNF43 (ring finger protein 43; minus strand). Cytogenetic location: 17q22.
Variant type: single nucleotide variant.
Coding change: c.989G>A on transcript NM_017763.6 (MANE Select); coding-DNA position 989, G replaced by A.
Protein change: p.Arg330Gln; replaces arginine 330 with glutamine.
Molecular consequence: missense variant.
Genome position (GRCh38, 1-based): chr17:58,358,787, C>T on the plus strand (G>A on the coding strand, the complement: RNF43 is on the minus strand). VCF-style: chr17-58358787-C-T. GRCh37 (hg19) VCF-style: chr17-56436148-C-T.
Other names: c.989G>A, p.Arg330Gln (NM_001305544.3); c.608G>A, p.Arg203Gln (NM_001305545.2); c.989G>A (NM_017763.4); short protein forms R203Q, R330Q.
Identifiers: ClinVar variation 1409260 (VCV001409260.9), dbSNP rs760556127, ClinGen allele CA8673251.

ClinVar aggregate classification (germline): Conflicting classifications of pathogenicity. Review status: criteria provided, conflicting classifications (1 of 4 stars). 4 submissions from 4 submitters: Uncertain significance (3); Likely benign (1). Last evaluated 2026-01-14.

Conditions:
Sessile serrated polyposis cancer syndrome (SSPCS). Identifiers: Orphanet 157798, MedGen C4310714, MONDO:0014919, OMIM 617108.

Allele frequency attached by ClinVar (database versions not stated): gnomAD 0.00001; gnomAD exomes 0.00002; ExAC 0.00005.

Submissions (4):

Labcorp Genetics (formerly Invitae), Labcorp
Classification: Uncertain significance. Last evaluated: 2026-01-14. Review status: criteria provided, single submitter. Criteria: Invitae Variant Classification Sherloc (09022015). Collection method: clinical testing. Allele origin: germline.
Comment: This sequence change replaces arginine, which is basic and polar, with glutamine, which is neutral and polar, at codon 330 of the RNF43 protein (p.Arg330Gln). The frequency data for this variant in the population databases is considered unreliable, as metrics indicate poor data quality at this position in the gnomAD database. This variant has not been reported in the literature in individuals affected with RNF43-related conditions. ClinVar contains an entry for this variant (Variation ID: 1409260). An algorithm developed to predict the effect of missense changes on protein structure and function (PolyPhen-2) suggests that this variant is likely to be tolerated. In summary, the available evidence is currently insufficient to determine the role of this variant in disease. Therefore, it has been classified as a Variant of Uncertain Significance.

Ambry Genetics
Classification: Likely benign. Last evaluated: 2025-01-29. Review status: criteria provided, single submitter. Criteria: Ambry Variant Classification Scheme 2023. Collection method: clinical testing. Allele origin: germline.

Revvity Omics, Revvity
Classification: Uncertain significance for Sessile serrated polyposis cancer syndrome. Last evaluated: 2024-05-03. Review status: criteria provided, single submitter. Criteria: ACMG Guidelines, 2015. Collection method: clinical testing. Allele origin: germline.

Baylor Genetics
Classification: Uncertain significance for Sessile serrated polyposis cancer syndrome. Last evaluated: 2023-12-27. Review status: criteria provided, single submitter. Criteria: ACMG Guidelines, 2015. Collection method: clinical testing. Allele origin: unknown.